The following is an entry in ClinVar:

NM_005529.7(HSPG2):c.11750C>A (p.Ser3917Ter)

Gene: HSPG2 (heparan sulfate proteoglycan 2; minus strand). Cytogenetic location: 1p36.12.
Variant type: single nucleotide variant.
Coding change: c.11750C>A on transcript NM_005529.7 (MANE Select); coding-DNA position 11750, C replaced by A.
Protein change: p.Ser3917Ter; replaces serine 3917 with a stop codon.
Molecular consequence: nonsense.
Genome position (GRCh38, 1-based): chr1:21,830,013, G>T on the plus strand (C>A on the coding strand, the complement: HSPG2 is on the minus strand). VCF-style: chr1-21830013-G-T. GRCh37 (hg19) VCF-style: chr1-22156506-G-T.
Other names: c.11753C>A, p.Ser3918Ter (NM_001291860.2); short protein forms S3917*, S3918*.
Identifiers: ClinVar variation 2047443 (VCV002047443.4), dbSNP rs1395524891, ClinGen allele CA338902793.

ClinVar aggregate classification (germline): Pathogenic (1 of 4 stars; one submission).

Submission:

Labcorp Genetics (formerly Invitae), Labcorp
Classification: Pathogenic. Last evaluated: 2022-04-15. Review status: criteria provided, single submitter. Criteria: Invitae Variant Classification Sherloc (09022015). Collection method: clinical testing. Allele origin: germline.
Comment: This sequence change creates a premature translational stop signal (p.Ser3917*) in the HSPG2 gene. It is expected to result in an absent or disrupted protein product. Loss-of-function variants in HSPG2 are known to be pathogenic (PMID: 11279527, 16927315, 20542149, 23836246). This variant is not present in population databases (gnomAD no frequency). For these reasons, this variant has been classified as Pathogenic. Algorithms developed to predict the effect of sequence changes on RNA splicing suggest that this variant may create or strengthen a splice site. This variant has not been reported in the literature in individuals affected with HSPG2-related conditions.

Literature cited by the submitters: PubMed 11279527; PubMed 16927315; PubMed 20542149; PubMed 23836246.